The following is an entry in ClinVar:

NM_022356.4(P3H1):c.1721-4C>T

Gene: P3H1 (prolyl 3-hydroxylase 1; minus strand). Cytogenetic location: 1p34.2.
Variant type: single nucleotide variant.
Coding change: c.1721-4C>T on transcript NM_022356.4 (MANE Select); 4 bases into the intron before coding-DNA position 1721, C replaced by T.
Molecular consequence: intron variant.
Genome position (GRCh38, 1-based): chr1:42,748,321, G>A on the plus strand (C>T on the coding strand, the complement: P3H1 is on the minus strand). VCF-style: chr1-42748321-G-A. GRCh37 (hg19) VCF-style: chr1-43213992-G-A.
Other names: c.1721-4C>T (NM_001146289.2, NM_001243246.2).
Identifiers: ClinVar variation 282080 (VCV000282080.23), dbSNP rs200901466, ClinGen allele CA801706.

ClinVar aggregate classification (germline): Conflicting classifications of pathogenicity. Review status: criteria provided, conflicting classifications (1 of 4 stars). 5 submissions from 5 submitters: Uncertain significance (2); Benign (1); Likely benign (1). 1 of the submissions does not count toward it. Last evaluated 2026-02-02.

Conditions:
P3H1-related disorder. Also called: P3H1-related condition.
Osteogenesis imperfecta type 8 (OI8). Identifiers: MedGen C1970458, MONDO:0012581, OMIM 610915.

Allele frequency attached by ClinVar (database versions not stated): gnomAD exomes 0.00011 and 0.00031; gnomAD 0.00015 and 0.00021; TOPMed 0.00030; ExAC 0.00031; 1000 Genomes Project 30x 0.00047; 1000 Genomes Project 0.00060.
gnomAD v4.1: 197 of 1,607,252 alleles (0.012%); highest among the groups gnomAD compares: East Asian, 0.39%; 1 homozygote.

Submissions (5):

Labcorp Genetics (formerly Invitae), Labcorp
Classification: Benign for Osteogenesis imperfecta type 8. Last evaluated: 2026-02-02. Review status: criteria provided, single submitter. Criteria: Invitae Variant Classification Sherloc (09022015). Collection method: clinical testing. Allele origin: germline.

Blueprint Genetics
Classification: Likely benign. Last evaluated: 2024-07-16. Review status: criteria provided, single submitter. Criteria: ACMG Guidelines, 2015. Collection method: clinical testing. Allele origin: germline.

Illumina Laboratory Services, Illumina
Classification: Uncertain significance for Osteogenesis imperfecta type 8. Last evaluated: 2018-01-13. Review status: criteria provided, single submitter. Criteria: ICSL Variant Classification Criteria 13 December 2019. Collection method: clinical testing. Allele origin: germline.

Eurofins Ntd Llc (ga)
Classification: Uncertain significance. Last evaluated: 2015-08-19. Review status: criteria provided, single submitter. Criteria: EGL Classification Definitions 2015. Collection method: clinical testing. Allele origin: germline. Observed: 1 variant allele, 1 heterozygote.

PreventionGenetics, part of Exact Sciences
Classification: Likely benign for P3H1-related condition. Last evaluated: 2019-03-20. Review status: no assertion criteria provided. Collection method: clinical testing. Allele origin: germline. Not counted in ClinVar's aggregate classification.
Comment: This variant is classified as likely benign based on ACMG/AMP sequence variant interpretation guidelines (Richards et al. 2015 PMID: 25741868, with internal and published modifications).